The following is an entry in ClinVar:

ClinVar aggregate classification (germline): Uncertain significance (1 of 4 stars; one submission).

Submission:

GeneDx
Classification: Uncertain significance. Last evaluated: 2025-06-11. Review status: criteria provided, single submitter. Criteria: GeneDx Variant Classification Process June 2021. Collection method: clinical testing. Allele origin: germline. Affected: yes.
Comment: Not observed at significant frequency in large population cohorts (gnomAD); In silico analysis supports that this missense variant has a deleterious effect on protein structure/function; Has not been previously published as pathogenic or benign to our knowledge

NM_015001.3(SPEN):c.1675T>C (p.Tyr559His)

Gene: SPEN (spen family transcriptional repressor; plus strand). Cytogenetic location: 1p36.13.
Variant type: single nucleotide variant.
Coding change: c.1675T>C on transcript NM_015001.3 (MANE Select); coding-DNA position 1675, T replaced by C.
Protein change: p.Tyr559His; replaces tyrosine 559 with histidine.
Molecular consequence: missense variant.
Genome position (GRCh38, 1-based): chr1:15,920,909, T>C. VCF-style: chr1-15920909-T-C. GRCh37 (hg19) VCF-style: chr1-16247404-T-C.
Other names: short protein forms Y559H.
Identifiers: ClinVar variation 4537728 (VCV004537728.1).